The following is an entry in ClinVar:

ClinVar aggregate classification (germline): Conflicting classifications of pathogenicity. Review status: criteria provided, conflicting classifications (1 of 4 stars). 2 submissions from 2 submitters: Uncertain significance (1); Benign (1). Last evaluated 2025-12-06.

Conditions:
Retinal dystrophy. Also called: Inherited retinal dystrophy. Identifiers: Orphanet 71862, MedGen C0854723, MeSH D058499, MONDO:0019118, HP:0000556.

Allele frequency attached by ClinVar (database versions not stated): ExAC 0.00008; TOPMed 0.00008; 1000 Genomes Project 0.00020; 1000 Genomes Project 30x 0.00031.

Submissions (2):

Labcorp Genetics (formerly Invitae), Labcorp
Classification: Uncertain significance. Last evaluated: 2025-12-06. Review status: criteria provided, single submitter. Criteria: Invitae Variant Classification Sherloc (09022015). Collection method: clinical testing. Allele origin: germline.
Comment: This sequence change replaces arginine, which is basic and polar, with tryptophan, which is neutral and slightly polar, at codon 446 of the FSCN2 protein (p.Arg446Trp). This variant is present in population databases (rs527747924, gnomAD 0.07%), and has an allele count higher than expected for a pathogenic variant. This missense change has been observed in individual(s) with clinical features of FSCN2-related retinal dystrophy (PMID: 24618324). ClinVar contains an entry for this variant (Variation ID: 947183). An algorithm developed to predict the effect of missense changes on protein structure and function (PolyPhen-2) suggests that this variant is likely to be disruptive. In summary, the available evidence is currently insufficient to determine the role of this variant in disease. Therefore, it has been classified as a Variant of Uncertain Significance.

Dept Of Ophthalmology, Nagoya University
Classification: Benign for Retinal dystrophy. Last evaluated: 2023-10-01. Review status: criteria provided, single submitter. Criteria: Submitter's publication. Collection method: research. Allele origin: germline. Affected: yes.

Literature cited by the submitters: PubMed 24618324 (cited by Labcorp Genetics (formerly Invitae), Labcorp).

NM_012418.4(FSCN2):c.1264C>T (p.Arg422Trp)

Gene: FSCN2 (fascin actin-bundling protein 2, retinal; plus strand). Cytogenetic location: 17q25.3.
Variant type: single nucleotide variant.
Coding change: c.1264C>T on transcript NM_012418.4 (MANE Select); coding-DNA position 1264, C replaced by T.
Protein change: p.Arg422Trp; replaces arginine 422 with tryptophan.
Molecular consequence: missense variant.
Genome position (GRCh38, 1-based): chr17:81,536,780, C>T. VCF-style: chr17-81536780-C-T. GRCh37 (hg19) VCF-style: chr17-79503806-C-T.
Other names: c.1336C>T, p.Arg446Trp (NM_001077182.3); short protein forms R422W, R446W.
Identifiers: ClinVar variation 947183 (VCV000947183.11), dbSNP rs527747924, ClinGen allele CA8837054.